The following is an entry in ClinVar:

ClinVar aggregate classification (germline): Likely benign. Review status: criteria provided, multiple submitters, no conflicts (2 of 4 stars). 2 submissions from 2 submitters: Likely benign (2). Last evaluated 2026-01-01.

Conditions:
Inborn genetic diseases. Identifiers: MedGen C0950123, MeSH D030342.

Allele frequency attached by ClinVar (database versions not stated): ExAC 0.00004; gnomAD 0.00005; gnomAD exomes 0.00005; TOPMed 0.00005.
gnomAD v4.1: 82 of 1,613,814 alleles (0.0051%); highest among the groups gnomAD compares: South Asian, 0.026%; 1 homozygote.

Submissions (2):

CeGaT Center for Human Genetics Tuebingen
Classification: Likely benign. Last evaluated: 2026-01-01. Review status: criteria provided, single submitter. Criteria: CeGaT Center For Human Genetics Tuebingen Variant Classification Criteria Version 2. Collection method: clinical testing. Allele origin: germline. Affected: yes. Observed: 1 variant allele.
Comment: SETD1A: BP4

Ambry Genetics
Classification: Likely benign for Inborn genetic diseases. Last evaluated: 2023-06-21. Review status: criteria provided, single submitter. Criteria: Ambry Variant Classification Scheme 2023. Collection method: clinical testing. Allele origin: germline.

NM_014712.3(SETD1A):c.2782G>A (p.Glu928Lys)

Gene: SETD1A (SET domain containing 1A, histone lysine methyltransferase; plus strand). Cytogenetic location: 16p11.2.
Variant type: single nucleotide variant.
Coding change: c.2782G>A on transcript NM_014712.3 (MANE Select); coding-DNA position 2782, G replaced by A.
Protein change: p.Glu928Lys; replaces glutamic acid 928 with lysine.
Molecular consequence: missense variant.
Genome position (GRCh38, 1-based): chr16:30,969,316, G>A. VCF-style: chr16-30969316-G-A. GRCh37 (hg19) VCF-style: chr16-30980637-G-A.
Other names: short protein forms E928K.
Identifiers: ClinVar variation 2593347 (VCV002593347.6), dbSNP rs200860623, ClinGen allele CA8017038.